The following continues an entry in ClinVar:

NM_001844.5(COL2A1):c.3589G>A (p.Gly1197Ser)

Gene: COL2A1. ClinVar aggregate classification (germline): Pathogenic/Likely pathogenic. Pathogenic (12); Likely pathogenic (2).

Submissions 9 to 15 of 15:

Laboratory of Medical Genetics, National & Kapodistrian University of Athens
Classification: Pathogenic for Spondyloepimetaphyseal dysplasia, Strudwick type. Last evaluated: 2021-10-01. Review status: criteria provided, single submitter. Criteria: ACMG Guidelines, 2015. Collection method: clinical testing. Allele origin: unknown. Affected: yes.
Comment: PS1, PM1, PM2, PP2, PP3, PP5

Blueprint Genetics
Classification: Pathogenic for COL2A1-related disorders. Last evaluated: 2021-09-04. Review status: criteria provided, single submitter. Criteria: ACMG Guidelines, 2015. Collection method: clinical testing. Allele origin: de novo. Affected: yes. Observed: 3 variant alleles.

Genome Diagnostics Laboratory, The Hospital for Sick Children
Classification: Pathogenic for Connective tissue disorder. Last evaluated: 2020-02-01. Review status: criteria provided, single submitter. Criteria: ACMG Guidelines, 2015. Collection method: clinical testing. Allele origin: germline.

Eurofins Ntd Llc (ga)
Classification: Likely pathogenic. Last evaluated: 2016-03-02. Review status: criteria provided, single submitter. Criteria: EGL Classification Definitions 2015. Collection method: clinical testing. Allele origin: germline. Observed: 1 variant allele, 1 heterozygote.

Neuberg Centre For Genomic Medicine, NCGM
Classification: Pathogenic for Spondyloepiphyseal dysplasia congenita. Review status: criteria provided, single submitter. Criteria: ACMG Guidelines, 2015. Collection method: clinical testing. Allele origin: germline. Inheritance: Autosomal dominant inheritance. Affected: yes.
Comment: The missense variant c.3589G>A (p.Gly1197Ser) in COL2A1 gene has been reported in heterozygous state in in individual(s) with autosomal dominant spondyloepiphyseal dysplasia congenita or spondyloepimetaphyseal dysplasia (Barat-Houari et al.). Experimental studies have shown that this missense occurs in the triple helical domain and replaces the glycine in the canonical Gly-X-Y repeat; missense substitution of a canonical glycine residue is expected to disrupt normal protein folding and function, and this is an established mechanism of disease (Shoulders MD, Raines RT). The p.Gly1197Ser variant is novel (not in any individuals) in gnomAD exomes and 1000 Genomes. It has been submitted to ClinVar with varying interpretations: Pathogenic/ Likely Pathogenic.The amino acid Gly at position 1197 is changed to a Ser changing protein sequence and it might alter its composition and physico-chemical properties. The amino acid change p.Gly1197Ser in COL2A1 is predicted as conserved by GERP++ and PhyloP across 100 vertebrates. For these reasons, this variant has been classified as Pathogenic.

Neuberg Centre For Genomic Medicine, NCGM
Classification: Pathogenic for Stickler syndrome type 1. Review status: criteria provided, single submitter. Criteria: ACMG Guidelines, 2015. Collection method: clinical testing. Allele origin: germline. Inheritance: Autosomal dominant inheritance. Affected: yes.
Comment: The COL2A1 c.3589G>A (p.Gly1197Ser) variant has been reported in heterozygous state in affected individuals. Occurs in the triple helical domain and replaces the glycine in the canonical Gly-X-Y repeat; missense substitution of a canonical glycine residue is expected to disrupt normal protein folding and function, and this is an established mechanism of disease. This variant is novel (not in any individual) in the gnomad and in 1000 genome database. It has been submitted to ClinVar with varying interpretations: Pathogenic/ Likely Pathogenic. The amino acid Gly at position 1197 is changed to a Ser changing protein sequence and it might alter its composition and physico-chemical properties. The variant is predicted to be damaging by both SIFT and PolyPhen2. The residue is conserved across species. The amino acid change p.Gly1197Ser in COL2A1 is predicted as conserved by GERP++ and PhyloP across 100 vertebrates. For these reasons, this variant has been classified as Pathogenic.

OMIM
Classification: Pathogenic for SPONDYLOEPIPHYSEAL DYSPLASIA CONGENITA. Last evaluated: 1993-01-01. Review status: no assertion criteria provided. Collection method: literature only. Allele origin: germline. Not counted in ClinVar's aggregate classification.

Literature cited by the submitters: PubMed 1905723 (cited by Labcorp Genetics (formerly Invitae), Labcorp and 3billion); PubMed 25604898 (cited by 3 submitters); PubMed 26626311 (cited by Labcorp Genetics (formerly Invitae), Labcorp and Ambry Genetics); PubMed 7695699 (cited by Labcorp Genetics (formerly Invitae), Labcorp); PubMed 8218237 (cited by Labcorp Genetics (formerly Invitae), Labcorp); PubMed 19344236 (cited by Labcorp Genetics (formerly Invitae), Labcorp); PubMed 9016532 (cited by Labcorp Genetics (formerly Invitae), Labcorp); PubMed 17078022 (cited by Labcorp Genetics (formerly Invitae), Labcorp); PubMed 33726816 (cited by 3billion); PubMed 9724608 (cited by Ambry Genetics); PubMed 15895462 (cited by Ambry Genetics and Victorian Clinical Genetics Services, Murdoch Childrens Research Institute); PubMed 35052477 (cited by Ambry Genetics); PubMed 38028619 (cited by Ambry Genetics); PubMed 38702915 (cited by Ambry Genetics); PubMed 34008892 (cited by Laboratory of Medical Genetics, National & Kapodistrian University of Athens); PubMed 8423604 (cited by OMIM).